The following is an entry in ClinVar:

NM_000260.4(MYO7A):c.3494C>T (p.Pro1165Leu)

Gene: MYO7A (myosin VIIA; plus strand). Cytogenetic location: 11q13.5.
Variant type: single nucleotide variant.
Coding change: c.3494C>T on transcript NM_000260.4 (MANE Select); coding-DNA position 3494, C replaced by T.
Protein change: p.Pro1165Leu; replaces proline 1165 with leucine.
Molecular consequence: missense variant.
Genome position (GRCh38, 1-based): chr11:77,184,706, C>T. VCF-style: chr11-77184706-C-T. GRCh37 (hg19) VCF-style: chr11-76895751-C-T.
Other names: c.3494C>T, p.Pro1165Leu (NM_001127180.2); c.3461C>T, p.Pro1154Leu (NM_001369365.1); short protein forms P1165L, P1154L.
Identifiers: ClinVar variation 5003718 (VCV005003718.1).
Genomic context (GRCh38, chr11:77,184,706, plus strand): 5'-ACCGGCCCACCTCCAACCTGGAGAAGCTGCACTTCATCATCGGCAATGGCATCCTGCGGC[C>T]AGCACTCCGGTCAGTGCCGGGAGGCGGGGACACCAGGGCCTGAAAGTCTTTTGGTGGCTG-3'
Protein context (NP_000251.3, residues 1155-1175): HFIIGNGILR[Pro1165Leu]ALRDEIYCQI

ClinVar aggregate classification (germline): Uncertain significance (1 of 4 stars; one submission).

Conditions:
Usher syndrome type 1 (USH1). Also called: RETINITIS PIGMENTOSA AND CONGENITAL DEAFNESS. Identifiers: Orphanet 231169, Orphanet 886, MedGen C1568247, MONDO:0010168, OMIM 276900.

Submission:

Myriad Genetics, Inc.
Classification: Uncertain significance for Usher syndrome type 1. Last evaluated: 2026-03-10. Review status: criteria provided, single submitter. Criteria: Myriad Autosomal Dominant, Autosomal Recessive and X-Linked Classification Criteria (2023). Collection method: clinical testing. Allele origin: unknown.
Comment: NM_000260.3(MYO7A):c.3494C>T(P1165L) is a missense variant classified as a variant of uncertain significance in the context of MYO7A-related disorders. P1165L has been observed in a case with relevant disease (PMID: 36597107). Relevant functional assessments of this variant are not available in the literature. P1165L has not been observed in referenced population frequency databases. In summary, there is insufficient evidence to classify NM_000260.3(MYO7A):c.3494C>T(P1165L) as pathogenic or benign. Please note: this variant was assessed in the context of healthy population screening.

Literature cited by the submitters: PubMed 36597107.